The following is an entry in ClinVar:

ClinVar aggregate classification (germline): Conflicting classifications of pathogenicity. Review status: criteria provided, conflicting classifications (1 of 4 stars). 4 submissions from 4 submitters: Uncertain significance (3); Likely benign (1). Last evaluated 2025-11-17.

Conditions:
Proliferative vasculopathy and hydranencephaly-hydrocephaly syndrome. Also called: ENCEPHALOCLASTIC PROLIFERATIVE VASCULOPATHY; HYDRANENCEPHALY, FOWLER TYPE; HYDROCEPHALY/HYDRANENCEPHALY DUE TO CEREBRAL VASCULOPATHY; Fowler syndrome. Identifiers: Orphanet 221126, MedGen C1856972, MONDO:0009168, OMIM 225790.
Inborn genetic diseases. Identifiers: MedGen C0950123, MeSH D030342.

Allele frequency attached by ClinVar (database versions not stated): TOPMed 0.00003; gnomAD 0.00007; gnomAD exomes 0.00009; ExAC 0.00019.
gnomAD v4.1: 144 of 1,613,882 alleles (0.0089%); highest among the groups gnomAD compares: South Asian, 0.082%; no homozygotes.

Submissions (4):

Labcorp Genetics (formerly Invitae), Labcorp
Classification: Uncertain significance. Last evaluated: 2025-11-17. Review status: criteria provided, single submitter. Criteria: Invitae Variant Classification Sherloc (09022015). Collection method: clinical testing. Allele origin: germline.
Comment: This sequence change replaces arginine, which is basic and polar, with glutamine, which is neutral and polar, at codon 303 of the FLVCR2 protein (p.Arg303Gln). This variant is present in population databases (rs199824003, gnomAD 0.09%). This variant has not been reported in the literature in individuals affected with FLVCR2-related conditions. ClinVar contains an entry for this variant (Variation ID: 2441526). Invitae Evidence Modeling of protein sequence and biophysical properties (such as structural, functional, and spatial information, amino acid conservation, physicochemical variation, residue mobility, and thermodynamic stability) indicates that this missense variant is not expected to disrupt FLVCR2 protein function with a negative predictive value of 80%. In summary, the available evidence is currently insufficient to determine the role of this variant in disease. Therefore, it has been classified as a Variant of Uncertain Significance.

Ambry Genetics
Classification: Likely benign for Inborn genetic diseases. Last evaluated: 2025-02-11. Review status: criteria provided, single submitter. Criteria: Ambry Variant Classification Scheme 2023. Collection method: clinical testing. Allele origin: germline.

Blueprint Genetics
Classification: Uncertain significance. Last evaluated: 2024-08-16. Review status: criteria provided, single submitter. Criteria: ACMG Guidelines, 2015. Collection method: clinical testing. Allele origin: germline.

Revvity Omics, Revvity
Classification: Uncertain significance for Proliferative vasculopathy and hydranencephaly-hydrocephaly syndrome. Last evaluated: 2022-02-25. Review status: criteria provided, single submitter. Criteria: ACMG Guidelines, 2015. Collection method: clinical testing. Allele origin: germline.

NM_017791.3(FLVCR2):c.908G>A (p.Arg303Gln)

Gene: FLVCR2 (FLVCR choline and putative heme transporter 2; plus strand). Cytogenetic location: 14q24.3.
Variant type: single nucleotide variant.
Coding change: c.908G>A on transcript NM_017791.3 (MANE Select); coding-DNA position 908, G replaced by A.
Protein change: p.Arg303Gln; replaces arginine 303 with glutamine.
Molecular consequence: missense variant.
Genome position (GRCh38, 1-based): chr14:75,624,708, G>A. VCF-style: chr14-75624708-G-A. GRCh37 (hg19) VCF-style: chr14-76091051-G-A.
Other names: c.293G>A, p.Arg98Gln (NM_001195283.2); c.908G>A (NM_017791.2); short protein forms R303Q, R98Q.
Identifiers: ClinVar variation 2441526 (VCV002441526.6), dbSNP rs199824003, ClinGen allele CA7278352.